The following is an entry in ClinVar:

NM_000434.4(NEU1):c.1216G>A (p.Val406Met)

Gene: NEU1 (neuraminidase 1; minus strand). Cytogenetic location: 6p21.33.
Variant type: single nucleotide variant.
Coding change: c.1216G>A on transcript NM_000434.4 (MANE Select); coding-DNA position 1216, G replaced by A.
Protein change: p.Val406Met; replaces valine 406 with methionine.
Molecular consequence: missense variant.
Genome position (GRCh38, 1-based): chr6:31,859,751, C>T on the plus strand (G>A on the coding strand, the complement: NEU1 is on the minus strand). VCF-style: chr6-31859751-C-T. GRCh37 (hg19) VCF-style: chr6-31827528-C-T.
Other names: short protein forms V406M.
Identifiers: ClinVar variation 2139224 (VCV002139224.2), dbSNP rs767633589, ClinGen allele CA3724862.
Genomic context (GRCh38, chr6:31,859,751, plus strand): 5'-CAGAATACCCCTGTGGCAGTGGCACAGCTCAGAGTGTCCCATAGACACTGATTTTGGCCA[C>T]GGAGATGCTCTCTGTGTAGTGGTTCCGGCCTTTCTCATACAGGACGTAGAGCTGGGGGGC-3'
Protein context (NP_000425.1, residues 396-415): GRNHYTESIS[Val406Met]AKISVYGTL

ClinVar aggregate classification (germline): Uncertain significance (1 of 4 stars; one submission).

Allele frequency attached by ClinVar (database versions not stated): gnomAD exomes 0.00002; TOPMed 0.00002; gnomAD 0.00003; ExAC 0.00004.

Submission:

Labcorp Genetics (formerly Invitae), Labcorp
Classification: Uncertain significance. Last evaluated: 2025-08-21. Review status: criteria provided, single submitter. Criteria: Invitae Variant Classification Sherloc (09022015). Collection method: clinical testing. Allele origin: germline.
Comment: This sequence change replaces valine, which is neutral and non-polar, with methionine, which is neutral and non-polar, at codon 406 of the NEU1 protein (p.Val406Met). This variant is present in population databases (rs767633589, gnomAD 0.004%). This variant has not been reported in the literature in individuals affected with NEU1-related conditions. ClinVar contains an entry for this variant (Variation ID: 2139224). Invitae Evidence Modeling of protein sequence and biophysical properties (such as structural, functional, and spatial information, amino acid conservation, physicochemical variation, residue mobility, and thermodynamic stability) indicates that this missense variant is not expected to disrupt NEU1 protein function with a negative predictive value of 80%. In summary, the available evidence is currently insufficient to determine the role of this variant in disease. Therefore, it has been classified as a Variant of Uncertain Significance.